The following is an entry in ClinVar:

NM_017654.4(SAMD9):c.2048T>G (p.Phe683Cys)

Gene: SAMD9 (sterile alpha motif domain containing 9; minus strand). Cytogenetic location: 7q21.2.
Variant type: single nucleotide variant.
Coding change: c.2048T>G on transcript NM_017654.4 (MANE Select); coding-DNA position 2048, T replaced by G.
Protein change: p.Phe683Cys; replaces phenylalanine 683 with cysteine.
Molecular consequence: missense variant.
Genome position (GRCh38, 1-based): chr7:93,104,050, A>C on the plus strand (T>G on the coding strand, the complement: SAMD9 is on the minus strand). VCF-style: chr7-93104050-A-C. GRCh37 (hg19) VCF-style: chr7-92733363-A-C.
Other names: c.2048T>G, p.Phe683Cys (NM_001193307.2); short protein forms F683C.
Identifiers: ClinVar variation 4529763 (VCV004529763.2).
Genomic context (GRCh38, chr7:93,104,050, plus strand): 5'-GAAGAATAACTTTCAGAAGAGAAGTAGAAGTTCCACCATGACACTTTGCCACCTCGATAG[A>C]AGTCTTCCTCTTTTGATGCCTTGAATTCAAGGAATTTATTTTTGTCCTTCTCTAACAGTG-3'
Protein context (NP_060124.2, residues 673-693): LEFKASKEED[Phe683Cys]YRGGKVSWWN

ClinVar aggregate classification (germline): Uncertain significance. Review status: criteria provided, multiple submitters, no conflicts (2 of 4 stars). 2 submissions from 2 submitters: Uncertain significance (2). Last evaluated 2026-07-13.

Conditions:
Inborn genetic diseases. Identifiers: MedGen C0950123, MeSH D030342.

gnomAD v4.1: 1 of 1,613,872 alleles (0.000062%); highest among the groups gnomAD compares: Non-Finnish European, 0.000085%; no homozygotes.

Submissions (2):

Ambry Genetics
Classification: Uncertain significance for Inborn genetic diseases. Last evaluated: 2026-07-13. Review status: criteria provided, single submitter. Criteria: Ambry Variant Classification Scheme 2023. Collection method: clinical testing. Allele origin: germline.
Comment: The p.F683C variant (also known as c.2048T>G), located in coding exon 1 of the SAMD9 gene, results from a T to G substitution at nucleotide position 2048. The phenylalanine at codon 683 is replaced by cysteine, an amino acid with highly dissimilar properties. This amino acid position is conserved. In addition, this alteration is predicted to be deleterious by in silico analysis. Based on the available evidence, the clinical significance of this variant remains unclear.

GeneDx
Classification: Uncertain significance. Last evaluated: 2025-05-15. Review status: criteria provided, single submitter. Criteria: GeneDx Variant Classification Process June 2021. Collection method: clinical testing. Allele origin: germline. Affected: yes.
Comment: Not observed at significant frequency in large population cohorts (gnomAD); In silico analysis supports that this missense variant has a deleterious effect on protein structure/function; Has not been previously published as pathogenic or benign to our knowledge